The following is an entry in ClinVar:

NM_001943.5(DSG2):c.14C>T (p.Pro5Leu)

Genes: DSG2 (desmoglein 2; plus strand), LOC130062340 (ATAC-STARR-seq lymphoblastoid silent region 9384; plus strand). Cytogenetic location: 18q12.1.
Variant type: single nucleotide variant.
Coding change: c.14C>T on transcript NM_001943.5 (MANE Select); coding-DNA position 14, C replaced by T.
Protein change: p.Pro5Leu; replaces proline 5 with leucine.
Molecular consequence: missense variant.
Genome position (GRCh38, 1-based): chr18:31,498,265, C>T. VCF-style: chr18-31498265-C-T. GRCh37 (hg19) VCF-style: chr18-29078228-C-T.
Other names: c.14C>T (LRG_397t1); short protein forms P5L.
Identifiers: ClinVar variation 496147 (VCV000496147.10), dbSNP rs530517936, ClinGen allele CA042679.

ClinVar aggregate classification (germline): Uncertain significance. Review status: criteria provided, multiple submitters, no conflicts (2 of 4 stars). 3 submissions from 3 submitters: Uncertain significance (3). Last evaluated 2022-08-09.

Conditions:
Arrhythmogenic right ventricular dysplasia 10. Also called: ARRHYTHMOGENIC RIGHT VENTRICULAR DYSPLASIA, FAMILIAL, 10; Arrhythmogenic Right Ventricular Dysplasia/Cardiomyopathy10; Arrhythmogenic right ventricular dysplasia/cardiomyopathy, type 10. Identifiers: MedGen C1857777, MONDO:0012434, OMIM 610193.
Cardiovascular phenotype. Identifiers: MedGen CN230736.

Allele frequency attached by ClinVar (database versions not stated): ExAC below 0.00001; TOPMed below 0.00001; gnomAD exomes 0.00001; 1000 Genomes Project 30x 0.00031; 1000 Genomes Project 0.00040.
gnomAD v4.1: 9 of 1,262,398 alleles (0.00071%); highest among the groups gnomAD compares: South Asian, 0.031%; no homozygotes.

Submissions (3):

Labcorp Genetics (formerly Invitae), Labcorp
Classification: Uncertain significance for Arrhythmogenic right ventricular dysplasia 10. Last evaluated: 2022-08-09. Review status: criteria provided, single submitter. Criteria: Invitae Variant Classification Sherloc (09022015). Collection method: clinical testing. Allele origin: germline.
Comment: This sequence change replaces proline, which is neutral and non-polar, with leucine, which is neutral and non-polar, at codon 5 of the DSG2 protein (p.Pro5Leu). This variant is not present in population databases (gnomAD no frequency). This variant has not been reported in the literature in individuals affected with DSG2-related conditions. ClinVar contains an entry for this variant (Variation ID: 496147). Algorithms developed to predict the effect of missense changes on protein structure and function output the following: SIFT: "Deleterious"; PolyPhen-2: "Benign"; Align-GVGD: "Class C0". The leucine amino acid residue is found in multiple mammalian species, which suggests that this missense change does not adversely affect protein function. In summary, the available evidence is currently insufficient to determine the role of this variant in disease. Therefore, it has been classified as a Variant of Uncertain Significance.

Women's Health and Genetics/Laboratory Corporation of America, LabCorp
Classification: Uncertain significance. Last evaluated: 2017-01-03. Review status: criteria provided, single submitter. Criteria: LabCorp Variant Classification Summary - May 2015. Collection method: clinical testing. Allele origin: germline.
Comment: Variant summary: The DSG2 c.14C>T (p.Pro5Leu) variant involves the alteration of a non-conserved nucleotide, which 2/4 in silico tools (SNPs&GO not captured due to low reliability index) predict a benign outcome, although these predictions have yet to be functionally assessed. The variant of interest was not observed in controls (ExAC, 1000 Gs, or ESP), nor has it been, to our knowledge, reported in affected individuals via publications and/or clinical diagnostic laboratories/databases. Therefore, until additional information becomes available (ie, clinical and functional studies), the variant of interest has been classified as a "Variant of Uncertain Significance (VUS)."

Ambry Genetics
Classification: Uncertain significance for Cardiovascular phenotype. Last evaluated: 2016-11-09. Review status: criteria provided, single submitter. Criteria: Ambry Variant Classification Scheme 2023. Collection method: clinical testing. Allele origin: germline.
Comment: The p.P5L variant (also known as c.14C>T), located in coding exon 1 of the DSG2 gene, results from a C to T substitution at nucleotide position 14. The proline at codon 5 is replaced by leucine, an amino acid with similar properties. This variant was previously reported in the SNPDatabase (dbSNP) as rs530517936, but was absent from population based-cohorts in the Exome Aggregation Consortium (ExAC), NHLBI Exome Sequencing Project (ESP), and 1000 Genomes Project databases. In the ESP, this variant was not observed in 5552 samples (11104 alleles) with coverage at this position, but sequencing depth was low. This amino acid position is poorly conserved in available vertebrate species, and leucine is the reference amino acid in other vertebrate species. In addition, this alteration is predicted to be tolerated by in silico analysis. Since supporting evidence is limited at this time, the clinical significance of this alteration remains unclear.